The following is an entry in ClinVar:

NM_000552.5(VWF):c.2365A>G (p.Thr789Ala)

Gene: VWF (von Willebrand factor; minus strand). Cytogenetic location: 12p13.31.
Variant type: single nucleotide variant.
Coding change: c.2365A>G on transcript NM_000552.5 (MANE Select); coding-DNA position 2365, A replaced by G.
Protein change: p.Thr789Ala; replaces threonine 789 with alanine.
Molecular consequence: missense variant.
Genome position (GRCh38, 1-based): chr12:6,044,368, T>C on the plus strand (A>G on the coding strand, the complement: VWF is on the minus strand). VCF-style: chr12-6044368-T-C. GRCh37 (hg19) VCF-style: chr12-6153534-T-C.
Other names: NM_000552.5(VWF):c.2365A>G; short protein forms T789A.
Identifiers: ClinVar variation 256659 (VCV000256659.63), dbSNP rs1063856, ClinGen allele CA6403090.

ClinVar aggregate classification (germline): Benign. Review status: reviewed by expert panel (3 of 4 stars). 13 submissions from 11 submitters: Benign (1). 12 of the submissions do not count toward it. Last evaluated 2026-04-07.

Conditions:
Hereditary von Willebrand disease. Identifiers: Orphanet 903, MedGen C5703318, MONDO:0019565. Inheritance: Autosomal recessive or Autosomal dominant.
von Willebrand disease type 2 (VWD2). Also called: VWD, TYPE 2; VON WILLEBRAND DISEASE, TYPE 2A/IIE; VON WILLEBRAND DISEASE, TYPE 2CB; VON WILLEBRAND DISEASE, TYPE II. Identifiers: Orphanet 166081, Orphanet 903, MedGen C1264040, MONDO:0013304, OMIM 613554.
von Willebrand disease type 1 (VWD1). Also called: VWD, TYPE 1; VON WILLEBRAND DISEASE, TYPE I. Identifiers: Orphanet 166078, Orphanet 903, MedGen C1264039, MONDO:0008668, OMIM 193400. Inheritance: autosomal recessive or autosomal dominant.
von Willebrand disease type 3 (VWD3). Also called: Type 3 Von Willebrand's disease; Type 3 VWD; Von Willebrand disease, severe form; V WD3; VON WILLEBRAND DISEASE, TYPE III. Identifiers: Orphanet 166096, MedGen C1264041, MONDO:0010191, OMIM 277480.

Allele frequency attached by ClinVar (database versions not stated): gnomAD exomes 0.31230 and 0.35171; ExAC 0.32321; 1000 Genomes Project 0.33626; 1000 Genomes Project 30x 0.34572; gnomAD 0.39577 and 0.40814; TOPMed 0.39963; ESP Exome Variant Server 0.42888.
gnomAD v4.1: 574,187 of 1,613,858 alleles (36%); highest among the groups gnomAD compares: African/African-American, 58%; 107,997 homozygotes.

Submissions (13):

ClinGen von Willebrand Disease Variant Curation Expert Panel, ClinGen
Classification: Benign for Hereditary von Willebrand disease. Last evaluated: 2026-04-07. Review status: reviewed by expert panel. Criteria: ClinGen VWD 2A B M Rules. Collection method: curation. Allele origin: germline.
Comment: The NM_000552.5:c.2365A>G variant in VWF is a missense variant predicted to cause substitution of threonine by alanine at amino acid 789. The Grpmax filtering allele frequency in gnomAD v4.1 is 0.5747 (based on 43409/74928 alleles in the African/African American population, including 12648 homozygotes), which is higher than the ClinGen VWD VCEP threshold of >0.1 for BA1. This variant is found in healthy cohorts and is associated with higher levels of VWF:Ag, not lower (PMIDs 21534939, 23690449). In summary, this variant meets the criteria to be classified as benign for hereditary von Willebrand disease based on the ACMG/AMP criteria applied, as specified by the ClinGen VWD VCEP: BA1 (ClinGen von Willebrand Disease Expert Panel Specifications to the ACMG/AMP Variant Interpretation Guidelines for VWF Version 1.0.0)

Women's Health and Genetics/Laboratory Corporation of America, LabCorp
Classification: Likely benign. Last evaluated: 2026-05-11. Review status: criteria provided, single submitter. Criteria: LabCorp Variant Classification Summary - May 2015. Collection method: clinical testing. Allele origin: germline. Not counted in ClinVar's aggregate classification.

Genome-Nilou Lab
Classification: Benign for von Willebrand disease type 1. Last evaluated: 2021-12-05. Review status: criteria provided, single submitter. Criteria: ACMG Guidelines, 2015. Collection method: clinical testing. Allele origin: germline. Affected: no. Not counted in ClinVar's aggregate classification.

Genome-Nilou Lab
Classification: Benign for von Willebrand disease type 3. Last evaluated: 2021-12-05. Review status: criteria provided, single submitter. Criteria: ACMG Guidelines, 2015. Collection method: clinical testing. Allele origin: germline. Affected: no. Not counted in ClinVar's aggregate classification.

Genome-Nilou Lab
Classification: Benign for von Willebrand disease type 2. Last evaluated: 2021-12-05. Review status: criteria provided, single submitter. Criteria: ACMG Guidelines, 2015. Collection method: clinical testing. Allele origin: germline. Affected: no. Not counted in ClinVar's aggregate classification.

ARUP Laboratories, Molecular Genetics and Genomics, ARUP Laboratories
Classification: Benign. Last evaluated: 2021-03-02. Review status: criteria provided, single submitter. Criteria: ARUP Molecular Germline Variant Investigation Process 2021. Collection method: clinical testing. Allele origin: germline. Not counted in ClinVar's aggregate classification.

GeneDx
Classification: Benign. Last evaluated: 2018-10-08. Review status: criteria provided, single submitter. Criteria: GeneDx Variant Classification Process June 2021. Collection method: clinical testing. Allele origin: germline. Affected: yes. Not counted in ClinVar's aggregate classification.
Comment: This variant is associated with the following publications: (PMID: 32521332, 30817071, 30046743, 18923835, 23636243, 21163921, 23690449, 21534939)

CeGaT Center for Human Genetics Tuebingen
Classification: Likely benign. Last evaluated: 2016-10-01. Review status: criteria provided, single submitter. Criteria: CeGaT Center For Human Genetics Tuebingen Variant Classification Criteria Version 2. Collection method: clinical testing. Allele origin: germline. Affected: yes. Observed: 1 variant allele. Not counted in ClinVar's aggregate classification.

Breakthrough Genomics
Classification: Likely benign. Review status: criteria provided, single submitter. Criteria: ACMG Guidelines, 2015. Collection method: not provided. Allele origin: germline. Inheritance: Autosomal recessive inheritance. Affected: yes. Not counted in ClinVar's aggregate classification.

PreventionGenetics, part of Exact Sciences
Classification: Benign. Review status: criteria provided, single submitter. Criteria: ACMG Guidelines, 2015. Collection method: clinical testing. Allele origin: germline. Not counted in ClinVar's aggregate classification.

Department of Pathology and Laboratory Medicine, Sinai Health System
Classification: Uncertain significance. Review status: no assertion criteria provided. Collection method: clinical testing. Allele origin: unknown. Affected: yes. Study: The Canadian Open Genetics Repository (COGR). Not counted in ClinVar's aggregate classification.
Comment: Allele frequency is common in at least one population database (frequency: 58.215% in gnomAD_Exomes) based on the frequency threshold of 0.5% for this gene. Variant was observed in a homozygous state in population databases more than expected for disease.

Genome Diagnostics Laboratory, University Medical Center Utrecht
Classification: Benign. Review status: no assertion criteria provided. Collection method: clinical testing. Allele origin: germline. Affected: yes. Study: VKGL Data-share Consensus. Not counted in ClinVar's aggregate classification.

Joint Genome Diagnostic Labs from Nijmegen and Maastricht, Radboudumc and MUMC+
Classification: Benign. Review status: no assertion criteria provided. Collection method: clinical testing. Allele origin: germline. Affected: yes. Study: VKGL Data-share Consensus. Not counted in ClinVar's aggregate classification.